The following is an entry in ClinVar:

ClinVar aggregate classification (germline): Uncertain significance (1 of 4 stars; one submission).

Allele frequency attached by ClinVar (database versions not stated): gnomAD exomes below 0.00001.
gnomAD v4.1: 3 of 1,603,744 alleles (0.00019%); highest among the groups gnomAD compares: Non-Finnish European, 0.00026%; no homozygotes.

Submission:

Labcorp Genetics (formerly Invitae), Labcorp
Classification: Uncertain significance. Last evaluated: 2022-07-30. Review status: criteria provided, single submitter. Criteria: Invitae Variant Classification Sherloc (09022015). Collection method: clinical testing. Allele origin: germline.
Comment: In summary, the available evidence is currently insufficient to determine the role of this variant in disease. Therefore, it has been classified as a Variant of Uncertain Significance. Algorithms developed to predict the effect of missense changes on protein structure and function are either unavailable or do not agree on the potential impact of this missense change (SIFT: "Deleterious"; PolyPhen-2: "Not Available"; Align-GVGD: "Class C0"). This variant has not been reported in the literature in individuals affected with CDH23-related conditions. This variant is not present in population databases (gnomAD no frequency). This sequence change replaces alanine, which is neutral and non-polar, with threonine, which is neutral and polar, at codon 2870 of the CDH23 protein (p.Ala2870Thr).

NM_022124.6(CDH23):c.8608G>A (p.Ala2870Thr)

Gene: CDH23 (cadherin related 23; plus strand). Cytogenetic location: 10q22.1.
Variant type: single nucleotide variant.
Coding change: c.8608G>A on transcript NM_022124.6 (MANE Select); coding-DNA position 8608, G replaced by A.
Protein change: p.Ala2870Thr; replaces alanine 2870 with threonine.
Molecular consequence: missense variant.
Genome position (GRCh38, 1-based): chr10:71,807,893, G>A. VCF-style: chr10-71807893-G-A. GRCh37 (hg19) VCF-style: chr10-73567650-G-A.
Other names: c.1888G>A, p.Ala630Thr (NM_001171933.1, NM_001171934.1); short protein forms A2870T, A630T.
Identifiers: ClinVar variation 1953734 (VCV001953734.5), dbSNP rs2494437466, ClinGen allele CA377132120.